The following is an entry in ClinVar:

NM_014319.5(LEMD3):c.941G>T (p.Gly314Val)

Gene: LEMD3 (LEM domain containing 3; plus strand). Cytogenetic location: 12q14.3.
Variant type: single nucleotide variant.
Coding change: c.941G>T on transcript NM_014319.5 (MANE Select); coding-DNA position 941, G replaced by T.
Protein change: p.Gly314Val; replaces glycine 314 with valine.
Molecular consequence: missense variant.
Genome position (GRCh38, 1-based): chr12:65,170,537, G>T. VCF-style: chr12-65170537-G-T. GRCh37 (hg19) VCF-style: chr12-65564317-G-T.
Other names: c.941G>T, p.Gly314Val (NM_001167614.2); short protein forms G314V.
Identifiers: ClinVar variation 1927988 (VCV001927988.5), dbSNP rs750504733, ClinGen allele CA6670808.
Genomic context (GRCh38, chr12:65,170,537, plus strand): 5'-TCCCCCCGCTGACTGCTAAATCGGCCGGCGGCAGGCTGGAGACTTCAGTTCAGGGAGGGG[G>T]AGGACTCGCGATGAATGACAGGGCGGCGGCTGCCGGGAGTCTAGACAGGAGCCGAAACCT-3'
Protein context (NP_055134.2, residues 304-324): GRLETSVQGG[Gly314Val]GLAMNDRAAA

ClinVar aggregate classification (germline): Uncertain significance (1 of 4 stars; one submission).

Allele frequency attached by ClinVar (database versions not stated): ExAC 0.00001; gnomAD 0.00001; TOPMed 0.00001.
gnomAD v4.1: 17 of 1,613,988 alleles (0.0011%); highest among the groups gnomAD compares: African/African-American, 0.0013%; no homozygotes.

Submission:

Labcorp Genetics (formerly Invitae), Labcorp
Classification: Uncertain significance. Last evaluated: 2025-04-14. Review status: criteria provided, single submitter. Criteria: Invitae Variant Classification Sherloc (09022015). Collection method: clinical testing. Allele origin: germline.
Comment: This sequence change replaces glycine, which is neutral and non-polar, with valine, which is neutral and non-polar, at codon 314 of the LEMD3 protein (p.Gly314Val). This variant is present in population databases (rs750504733, gnomAD 0.003%). This variant has not been reported in the literature in individuals affected with LEMD3-related conditions. ClinVar contains an entry for this variant (Variation ID: 1927988). Invitae Evidence Modeling of protein sequence and biophysical properties (such as structural, functional, and spatial information, amino acid conservation, physicochemical variation, residue mobility, and thermodynamic stability) indicates that this missense variant is not expected to disrupt LEMD3 protein function with a negative predictive value of 80%. In summary, the available evidence is currently insufficient to determine the role of this variant in disease. Therefore, it has been classified as a Variant of Uncertain Significance.